The following is an entry in ClinVar:

ClinVar aggregate classification (germline): Benign. Review status: criteria provided, multiple submitters, no conflicts (2 of 4 stars). 3 submissions from 3 submitters: Benign (3). Last evaluated 2026-02-01.

Allele frequency attached by ClinVar (database versions not stated): gnomAD exomes 0.00147 and 0.00257; ExAC 0.00260; 1000 Genomes Project 0.00399; 1000 Genomes Project 30x 0.00406; gnomAD 0.00679 and 0.00726; ESP Exome Variant Server 0.00738; TOPMed 0.00796.

Submissions (3):

Labcorp Genetics (formerly Invitae), Labcorp
Classification: Benign. Last evaluated: 2026-02-01. Review status: criteria provided, single submitter. Criteria: Invitae Variant Classification Sherloc (09022015). Collection method: clinical testing. Allele origin: germline.

GeneDx
Classification: Benign. Last evaluated: 2017-04-12. Review status: criteria provided, single submitter. Criteria: GeneDx Variant Classification (06012015). Collection method: clinical testing. Allele origin: germline. Affected: yes.
Comment: This variant is considered likely benign or benign based on one or more of the following criteria: it is a conservative change, it occurs at a poorly conserved position in the protein, it is predicted to be benign by multiple in silico algorithms, and/or has population frequency not consistent with disease.

Breakthrough Genomics
Classification: Benign. Review status: criteria provided, single submitter. Criteria: ACMG Guidelines, 2015. Collection method: not provided. Allele origin: germline. Inheritance: Autosomal recessive inheritance. Affected: yes.

NM_001291303.3(FAT4):c.12506C>T (p.Thr4169Ile)

Gene: FAT4 (FAT atypical cadherin 4; plus strand). Cytogenetic location: 4q28.1.
Variant type: single nucleotide variant.
Coding change: c.12506C>T on transcript NM_001291303.3 (MANE Select); coding-DNA position 12506, C replaced by T.
Protein change: p.Thr4169Ile; replaces threonine 4169 with isoleucine.
Molecular consequence: missense variant.
Genome position (GRCh38, 1-based): chr4:125,479,767, C>T. VCF-style: chr4-125479767-C-T. GRCh37 (hg19) VCF-style: chr4-126400922-C-T.
Other names: c.12506C>T, p.Thr4169Ile (NM_001291285.3); c.12500C>T, p.Thr4167Ile (NM_024582.6); short protein forms T4167I, T4169I.
Identifiers: ClinVar variation 517745 (VCV000517745.12), dbSNP rs115822434, ClinGen allele CA3074128.
Genomic context (GRCh38, chr4:125,479,767, plus strand): 5'-TGTGCGTTATTGTTCTCATTATGATTTATTTTAGATGCCCTAGGCTGGAAGGCGCTTGTA[C>T]TCGCAGCCCATGCCAACATGGTGGCACATGTATGGATTACTGGTCATGGCAGCAGTGTCA-3'
Protein context (NP_001278232.1, residues 4159-4179): DQCPRLEGAC[Thr4169Ile]RSPCQHGGTC